The following is an entry in ClinVar:

ClinVar aggregate classification (germline): Pathogenic/Likely pathogenic. Review status: criteria provided, multiple submitters, no conflicts (2 of 4 stars). 8 submissions from 8 submitters: Pathogenic (6); Likely pathogenic (1). 1 of the submissions does not count toward it. Last evaluated 2025-12-16.

Conditions:
PEX2-related disorder. Also called: PEX2-related condition.
Zellweger spectrum disorders (ZS). Also called: Zellweger Spectrum Disorder; Zellweger Spectrum; Zellweger syndrome; Zellweger Spectrum Disorder (ZSD). Identifiers: Orphanet 912, MedGen C0043459, MONDO:0019609.
Peroxisome biogenesis disorder 5A (Zellweger) (PBD5A). Identifiers: Orphanet 912, MedGen C3553940, MONDO:0013932, OMIM 614866.
Peroxisome biogenesis disorder 5B (PBD5B). Identifiers: Orphanet 44, MedGen C3542026, MONDO:0013933, OMIM 614867.
Peroxisome biogenesis disorder. Identifiers: Orphanet 79189, MedGen C1832200, MONDO:0019234. Disease mechanism: loss of function.

Submissions (8):

Natera, Inc.
Classification: Pathogenic for Zellweger syndrome. Last evaluated: 2025-12-16. Review status: criteria provided, single submitter. Criteria: Natera Variant Classification Schema (03/2026). Collection method: clinical testing. Allele origin: germline.
Comment: The c.279_283delGAGAT variant in PEX2 is a frameshift variant predicted to shift the reading frame beginning at codon 94 and leads to a stop codon 5 codons downstream. This variant is expected to result in nonsense mediated decay, truncation, or a dysfunctional protein product. This variant is rare in the general population with a frequency below the threshold expected for the associated phenotype(s). This variant has been observed in one or more individuals affected with the associated recessive disease, as either homozygous or compound heterozygous with a second variant (PMID: 14630978). Given the available evidence, this variant is classified as Pathogenic.

Labcorp Genetics (formerly Invitae), Labcorp
Classification: Pathogenic for Peroxisome biogenesis disorder 5A (Zellweger). Last evaluated: 2025-09-16. Review status: criteria provided, single submitter. Criteria: Invitae Variant Classification Sherloc (09022015). Collection method: clinical testing. Allele origin: germline.
Comment: This sequence change creates a premature translational stop signal (p.Arg94Serfs*5) in the PEX2 gene. While this is not anticipated to result in nonsense mediated decay, it is expected to disrupt the last 212 amino acid(s) of the PEX2 protein. This variant is present in population databases (rs61752122, gnomAD 0.003%). This premature translational stop signal has been observed in individuals with Zellweger syndrome spectrum (PMID: 21031596). ClinVar contains an entry for this variant (Variation ID: 139588). This variant disrupts a region of the PEX2 protein in which other variant(s) (p.Arg184Valfs*8) have been determined to be pathogenic (PMID: 10652207; internal data). This suggests that this is a clinically significant region of the protein, and that variants that disrupt it are likely to be disease-causing. For these reasons, this variant has been classified as Pathogenic.

Revvity Omics, Revvity
Classification: Pathogenic. Last evaluated: 2025-02-21. Review status: criteria provided, single submitter. Criteria: ACMG Guidelines, 2015. Collection method: clinical testing. Allele origin: germline.

Blueprint Genetics
Classification: Pathogenic for PEX2-related disorders. Last evaluated: 2024-07-31. Review status: criteria provided, single submitter. Criteria: ACMG Guidelines, 2015. Collection method: clinical testing. Allele origin: germline. Affected: yes. Observed: 5 variant alleles.

Fulgent Genetics
Classification: Likely pathogenic for Peroxisome biogenesis disorder 5A (Zellweger); Peroxisome biogenesis disorder 5B. Last evaluated: 2024-06-04. Review status: criteria provided, single submitter. Criteria: ACMG Guidelines, 2015. Collection method: clinical testing. Allele origin: germline.

Baylor Genetics
Classification: Pathogenic for Peroxisome biogenesis disorder 5A (Zellweger). Last evaluated: 2024-03-14. Review status: criteria provided, single submitter. Criteria: ACMG Guidelines, 2015. Collection method: clinical testing. Allele origin: unknown.

Women's Health and Genetics/Laboratory Corporation of America, LabCorp
Classification: Pathogenic for Peroxisome biogenesis disorders, Zellweger syndrome spectrum. Last evaluated: 2018-05-03. Review status: criteria provided, single submitter. Criteria: LabCorp Variant Classification Summary - May 2015. Collection method: clinical testing. Allele origin: germline.
Comment: Variant summary: PEX2 c.279_283delGAGAT (p.Arg94SerfsX5) results in a premature termination codon, predicted to cause a truncation of the encoded protein or absence of the protein due to nonsense mediated decay, which are commonly known mechanisms for disease. Truncations downstream of this position have been classified as pathogenic by our laboratory (e.g. c.339_345delCAGGTGG (p.Arg114fsX1), c.355C>T (p.Arg119X)). The variant allele was found at a frequency of 1.6e-05 in 246158 control chromosomes. This frequency is not higher than expected for a pathogenic variant in PEX2 causing Zellweger Syndrome (1.6e-05 vs 0.0011), allowing no conclusion about variant significance. The variant, c.279_283delGAGAT, has been reported in the literature in at least two homozygous individuals and a compound heterozygous individual affected with Zellweger Syndrome (Gootjes 2004, Ebberink_2011). Gootjes et al. also reported experimental evidence evaluating an impact on protein function, demonstrating an absence of peroxisomes and severely decreased peroxisomal enzyme activities in patient fibroblasts. No clinical diagnostic laboratories have submitted clinical-significance assessments for this variant to ClinVar after 2014. Based on the evidence outlined above, the variant was classified as pathogenic.

OMIM
Classification: Pathogenic for PEROXISOME BIOGENESIS DISORDER 5A (ZELLWEGER). Last evaluated: 2004-03-01. Review status: no assertion criteria provided. Collection method: literature only. Allele origin: germline. Not counted in ClinVar's aggregate classification.

Literature cited by the submitters: PubMed 14630978 (cited by 3 submitters); PubMed 21031596 (cited by Labcorp Genetics (formerly Invitae), Labcorp and Women's Health and Genetics/Laboratory Corporation of America, LabCorp); PubMed 10652207 (cited by Labcorp Genetics (formerly Invitae), Labcorp).

NM_000318.3(PEX2):c.279_283del (p.Arg94fs)

Gene: PEX2 (peroxisomal biogenesis factor 2; minus strand). Cytogenetic location: 8q21.13.
Variant type: Deletion.
Coding change: c.279_283del on transcript NM_000318.3 (MANE Select); coding-DNA positions 279 to 283, 5 bases deleted (GAGAT; older notation c.279_283delGAGAT).
Protein change: p.Arg94fs; shifts the reading frame from arginine 94.
Molecular consequence: frameshift variant.
Genome position (GRCh38, 1-based): chr8:76,983,896-76,983,900, ATCTC deleted on the plus strand (GAGAT on the coding strand, the reverse complement: PEX2 is on the minus strand); deleting any 5 consecutive bases within chr8:76,983,896-76,983,901 gives the same sequence; the c. name uses the placement nearest the transcript's 3' end. VCF-style (leftmost placement, unchanged base first): chr8-76983895-TATCTC-T. GRCh37 (hg19) VCF-style: chr8-77896131-TATCTC-T.
Other names: c.279_283delGAGAT (NM_000318.2, NM_000318.3); c.279_283del, p.Arg94fs (NM_001079867.2, NM_001172086.2, NM_001172087.2); c.279_283del (NM_000318.2); short protein forms R94fs.
Identifiers: ClinVar variation 139588 (VCV000139588.18), dbSNP rs61752122, ClinGen allele CA163283.